The following is an entry in ClinVar:

NM_001145026.2(PTPRQ):c.5158_5159del (p.Ile1720fs)

Gene: PTPRQ (protein tyrosine phosphatase receptor type Q; plus strand). Cytogenetic location: 12q21.31.
Variant type: Microsatellite.
Coding change: c.5158_5159del on transcript NM_001145026.2 (MANE Select); coding-DNA positions 5158 to 5159, 2 bases deleted (AT; older notation c.5158_5159delAT).
Protein change: p.Ile1720fs; shifts the reading frame from isoleucine 1720.
Molecular consequence: frameshift variant.
Genome position (GRCh38, 1-based): chr12:80,613,831-80,613,832, AT deleted; deleting any 2 consecutive bases within chr12:80,613,829-80,613,832 gives the same sequence; the c. name uses the placement nearest the transcript's 3' end. VCF-style (leftmost placement, unchanged base first): chr12-80613828-AAT-A. GRCh37 (hg19) VCF-style: chr12-81007607-AAT-A.
Other names: c.5158_5159delAT (NM_001145026.1); short protein forms I1720fs.
Identifiers: ClinVar variation 560907 (VCV000560907.2), dbSNP rs1565819402, ClinGen allele CA658823438.

ClinVar aggregate classification (germline): Pathogenic/Likely pathogenic. Review status: no assertion criteria provided (0 of 4 stars). 2 submissions from 2 submitters: Pathogenic (1); Likely pathogenic (1). Last evaluated 2018-09-10.

Conditions:
Hearing loss, autosomal recessive. Also called: Rare autosomal recessive non-syndromic sensorineural deafness type DFNB; Autosomal recessive nonsyndromic deafness; Nonsyndromic Hearing Loss, Recessive; Deafness, autosomal recessive. Identifiers: Orphanet 90635, Orphanet 90636, MedGen C1846647, MONDO:0019588, OMIM 607197.
Deafness. Identifiers: MedGen C0011053.

Submissions (2):

Center for Statistical Genetics, Columbia University
Classification: Pathogenic for Deafness. Last evaluated: 2018-09-10. Review status: no assertion criteria provided. Collection method: research. Allele origin: inherited. Affected: yes.
Comment: Autosomal recessive

University of Washington Center for Mendelian Genomics, University of Washington
Classification: Likely pathogenic for non-syndromic autosomal recessive hearing loss. Review status: no assertion criteria provided. Collection method: research. Allele origin: inherited. Affected: yes.

Literature cited by the submitters: PubMed 30303587 (cited by University of Washington Center for Mendelian Genomics, University of Washington).